The following is an entry in ClinVar:

ClinVar aggregate classification (germline): Uncertain significance (1 of 4 stars; one submission).

Allele frequency attached by ClinVar (database versions not stated): ExAC 0.00012; 1000 Genomes Project 0.00020; 1000 Genomes Project 30x 0.00031.
gnomAD v4.1: 86 of 1,613,914 alleles (0.0053%); highest among the groups gnomAD compares: South Asian, 0.08%; 1 homozygote.

Submission:

Labcorp Genetics (formerly Invitae), Labcorp
Classification: Uncertain significance. Last evaluated: 2025-09-02. Review status: criteria provided, single submitter. Criteria: Invitae Variant Classification Sherloc (09022015). Collection method: clinical testing. Allele origin: germline.
Comment: This sequence change replaces glutamic acid, which is acidic and polar, with lysine, which is basic and polar, at codon 82 of the IFT57 protein (p.Glu82Lys). This variant is present in population databases (rs548451697, gnomAD 0.08%), and has an allele count higher than expected for a pathogenic variant. This variant has not been reported in the literature in individuals affected with IFT57-related conditions. ClinVar contains an entry for this variant (Variation ID: 1970643). An algorithm developed to predict the effect of missense changes on protein structure and function (PolyPhen-2) suggests that this variant is likely to be disruptive. In summary, the available evidence is currently insufficient to determine the role of this variant in disease. Therefore, it has been classified as a Variant of Uncertain Significance.

NM_018010.4(IFT57):c.244G>A (p.Glu82Lys)

Gene: IFT57 (intraflagellar transport 57; minus strand). Cytogenetic location: 3q13.13.
Variant type: single nucleotide variant.
Coding change: c.244G>A on transcript NM_018010.4 (MANE Select); coding-DNA position 244, G replaced by A.
Protein change: p.Glu82Lys; replaces glutamic acid 82 with lysine.
Molecular consequence: missense variant.
Genome position (GRCh38, 1-based): chr3:108,219,541, C>T on the plus strand (G>A on the coding strand, the complement: IFT57 is on the minus strand). VCF-style: chr3-108219541-C-T. GRCh37 (hg19) VCF-style: chr3-107938388-C-T.
Other names: short protein forms E82K.
Identifiers: ClinVar variation 1970643 (VCV001970643.5), dbSNP rs548451697, ClinGen allele CA2526772.